The following is an entry in ClinVar:

ClinVar aggregate classification (germline): Uncertain significance (1 of 4 stars; one submission).

Allele frequency attached by ClinVar (database versions not stated): gnomAD exomes below 0.00001; TOPMed below 0.00001.
gnomAD v4.1: 1 of 1,614,218 alleles (0.000062%); highest among the groups gnomAD compares: Non-Finnish European, 0.000085%; no homozygotes.

Submission:

Labcorp Genetics (formerly Invitae), Labcorp
Classification: Uncertain significance. Last evaluated: 2022-11-22. Review status: criteria provided, single submitter. Criteria: Invitae Variant Classification Sherloc (09022015). Collection method: clinical testing. Allele origin: germline.
Comment: This variant is not present in population databases (gnomAD no frequency). This sequence change replaces arginine, which is basic and polar, with glycine, which is neutral and non-polar, at codon 2086 of the MTOR protein (p.Arg2086Gly). In summary, the available evidence is currently insufficient to determine the role of this variant in disease. Therefore, it has been classified as a Variant of Uncertain Significance. Advanced modeling of protein sequence and biophysical properties (such as structural, functional, and spatial information, amino acid conservation, physicochemical variation, residue mobility, and thermodynamic stability) performed at Invitae indicates that this missense variant is not expected to disrupt MTOR protein function. ClinVar contains an entry for this variant (Variation ID: 1433764). This variant has not been reported in the literature in individuals affected with MTOR-related conditions.

NM_004958.4(MTOR):c.6256A>G (p.Arg2086Gly)

Gene: MTOR (mechanistic target of rapamycin kinase; minus strand). Cytogenetic location: 1p36.22.
Variant type: single nucleotide variant.
Coding change: c.6256A>G on transcript NM_004958.4 (MANE Select); coding-DNA position 6256, A replaced by G.
Protein change: p.Arg2086Gly; replaces arginine 2086 with glycine.
Molecular consequence: missense variant.
Genome position (GRCh38, 1-based): chr1:11,127,105, T>C on the plus strand (A>G on the coding strand, the complement: MTOR is on the minus strand). VCF-style: chr1-11127105-T-C. GRCh37 (hg19) VCF-style: chr1-11187162-T-C.
Other names: c.6256A>G, p.Arg2086Gly (NM_001386500.1); c.5008A>G, p.Arg1670Gly (NM_001386501.1); short protein forms R2086G, R1670G.
Identifiers: ClinVar variation 1433764 (VCV001433764.8), dbSNP rs1642875497, ClinGen allele CA338392171.